The following is an entry in ClinVar:

ClinVar aggregate classification (germline): Uncertain significance (1 of 4 stars; one submission).

Conditions:
X-linked agammaglobulinemia with growth hormone deficiency (IGHD3). Also called: HYPOGAMMAGLOBULINEMIA AND ISOLATED GROWTH HORMONE DEFICIENCY, X-LINKED; IGHD III; ISOLATED GROWTH HORMONE DEFICIENCY, TYPE III, WITH AGAMMAGLOBULINEMIA; Isolated growth hormone deficiency type 3; Growth hormone deficiency with hypogammaglobulinemia; AGAMMAGLOBULINEMIA AND ISOLATED GROWTH HORMONE DEFICIENCY, X-LINKED. Identifiers: Orphanet 231692, Orphanet 631, MedGen C0472813, MONDO:0010615, OMIM 307200.

Submission:

Labcorp Genetics (formerly Invitae), Labcorp
Classification: Uncertain significance for X-linked agammaglobulinemia with growth hormone deficiency. Last evaluated: 2024-07-01. Review status: criteria provided, single submitter. Criteria: Invitae Variant Classification Sherloc (09022015). Collection method: clinical testing. Allele origin: germline.
Comment: This sequence change replaces alanine, which is neutral and non-polar, with aspartic acid, which is acidic and polar, at codon 611 of the BTK protein (p.Ala611Asp). This variant is not present in population databases (gnomAD no frequency). This variant has not been reported in the literature in individuals affected with BTK-related conditions. Advanced modeling of protein sequence and biophysical properties (such as structural, functional, and spatial information, amino acid conservation, physicochemical variation, residue mobility, and thermodynamic stability) performed at Invitae indicates that this missense variant is not expected to disrupt BTK protein function with a negative predictive value of 80%. In summary, the available evidence is currently insufficient to determine the role of this variant in disease. Therefore, it has been classified as a Variant of Uncertain Significance.

NM_000061.3(BTK):c.1832C>A (p.Ala611Asp)

Gene: BTK (Bruton tyrosine kinase; minus strand). Cytogenetic location: Xq22.1.
Variant type: single nucleotide variant.
Coding change: c.1832C>A on transcript NM_000061.3 (MANE Select); coding-DNA position 1832, C replaced by A.
Protein change: p.Ala611Asp; replaces alanine 611 with aspartic acid.
Molecular consequence: missense variant.
Genome position (GRCh38, 1-based): chrX:101,353,270, G>T on the plus strand (C>A on the coding strand, the complement: BTK is on the minus strand). VCF-style: chrX-101353270-G-T. GRCh37 (hg19) VCF-style: chrX-100608258-G-T.
Other names: c.1934C>A, p.Ala645Asp (NM_001287344.2); c.1304C>A, p.Ala435Asp (NM_001287345.2); short protein forms A645D, A435D, A611D.
Identifiers: ClinVar variation 2745641 (VCV002745641.3), dbSNP rs2520527798, ClinGen allele CA413918959.